The following is an entry in ClinVar:

ClinVar aggregate classification (germline): Uncertain significance (1 of 4 stars; one submission).

Allele frequency attached by ClinVar (database versions not stated): TOPMed below 0.00001; gnomAD exomes below 0.00001; gnomAD 0.00001.
gnomAD v4.1: 2 of 1,614,062 alleles (0.00012%); highest among the groups gnomAD compares: Non-Finnish European, 0.00017%; no homozygotes.

Submission:

Labcorp Genetics (formerly Invitae), Labcorp
Classification: Uncertain significance. Last evaluated: 2025-06-17. Review status: criteria provided, single submitter. Criteria: Invitae Variant Classification Sherloc (09022015). Collection method: clinical testing. Allele origin: germline.
Comment: This sequence change replaces aspartic acid, which is acidic and polar, with alanine, which is neutral and non-polar, at codon 624 of the TFRC protein (p.Asp624Ala). This variant is not present in population databases (gnomAD no frequency). This variant has not been reported in the literature in individuals affected with TFRC-related conditions. ClinVar contains an entry for this variant (Variation ID: 2798898). Invitae Evidence Modeling of protein sequence and biophysical properties (such as structural, functional, and spatial information, amino acid conservation, physicochemical variation, residue mobility, and thermodynamic stability) indicates that this missense variant is not expected to disrupt TFRC protein function with a negative predictive value of 80%. In summary, the available evidence is currently insufficient to determine the role of this variant in disease. Therefore, it has been classified as a Variant of Uncertain Significance.

NM_001128148.3(TFRC):c.1871A>C (p.Asp624Ala)

Gene: TFRC (transferrin receptor; minus strand). Cytogenetic location: 3q29.
Variant type: single nucleotide variant.
Coding change: c.1871A>C on transcript NM_001128148.3 (MANE Select); coding-DNA position 1871, A replaced by C.
Protein change: p.Asp624Ala; replaces aspartic acid 624 with alanine.
Molecular consequence: missense variant.
Genome position (GRCh38, 1-based): chr3:196,055,108, T>G on the plus strand (A>C on the coding strand, the complement: TFRC is on the minus strand). VCF-style: chr3-196055108-T-G. GRCh37 (hg19) VCF-style: chr3-195781979-T-G.
Other names: c.1628A>C, p.Asp543Ala (NM_001313965.2); c.1025A>C, p.Asp342Ala (NM_001313966.2); c.1871A>C, p.Asp624Ala (NM_003234.4); short protein forms D624A, D342A, D543A.
Identifiers: ClinVar variation 2798898 (VCV002798898.3), dbSNP rs1221918243, ClinGen allele CA355562291.